The following is an entry in ClinVar:

ClinVar aggregate classification (germline): Uncertain significance. Review status: criteria provided, multiple submitters, no conflicts (2 of 4 stars). 2 submissions from 2 submitters: Uncertain significance (2). Last evaluated 2024-08-05.

Conditions:
Very long chain acyl-CoA dehydrogenase deficiency (ACADVLD). Also called: VLCAD Deficiency; Very Long-Chain Acyl-Coenzyme A Dehydrogenase Deficiency. Identifiers: Orphanet 26793, MedGen C3887523, MONDO:0008723, OMIM 201475.

Allele frequency attached by ClinVar (database versions not stated): gnomAD 0.00001; TOPMed 0.00001.
gnomAD v4.1: 2 of 1,613,908 alleles (0.00012%); highest among the groups gnomAD compares: African/African-American, 0.0027%; no homozygotes.

Submissions (2):

Labcorp Genetics (formerly Invitae), Labcorp
Classification: Uncertain significance for Very long chain acyl-CoA dehydrogenase deficiency. Last evaluated: 2024-08-05. Review status: criteria provided, single submitter. Criteria: Invitae Variant Classification Sherloc (09022015). Collection method: clinical testing. Allele origin: germline.
Comment: This sequence change replaces glycine, which is neutral and non-polar, with cysteine, which is neutral and slightly polar, at codon 135 of the ACADVL protein (p.Gly135Cys). This variant is not present in population databases (gnomAD no frequency). This variant has not been reported in the literature in individuals affected with ACADVL-related conditions. ClinVar contains an entry for this variant (Variation ID: 2044115). Advanced modeling of protein sequence and biophysical properties (such as structural, functional, and spatial information, amino acid conservation, physicochemical variation, residue mobility, and thermodynamic stability) performed at Invitae indicates that this missense variant is expected to disrupt ACADVL protein function with a positive predictive value of 95%. In summary, the available evidence is currently insufficient to determine the role of this variant in disease. Therefore, it has been classified as a Variant of Uncertain Significance.

GeneDx
Classification: Uncertain significance. Last evaluated: 2024-03-27. Review status: criteria provided, single submitter. Criteria: GeneDx Variant Classification Process June 2021. Collection method: clinical testing. Allele origin: germline. Affected: yes.
Comment: Not observed at significant frequency in large population cohorts (gnomAD); In silico analysis supports that this missense variant has a deleterious effect on protein structure/function; Has not been previously published as pathogenic or benign to our knowledge

NM_000018.4(ACADVL):c.403G>T (p.Gly135Cys)

Gene: ACADVL (acyl-CoA dehydrogenase very long chain; plus strand). Cytogenetic location: 17p13.1.
Variant type: single nucleotide variant.
Coding change: c.403G>T on transcript NM_000018.4 (MANE Select); coding-DNA position 403, G replaced by T.
Protein change: p.Gly135Cys; replaces glycine 135 with cysteine.
Molecular consequence: missense variant.
Genome position (GRCh38, 1-based): chr17:7,220,984, G>T. VCF-style: chr17-7220984-G-T. GRCh37 (hg19) VCF-style: chr17-7124303-G-T.
Other names: c.337G>T, p.Gly113Cys (NM_001033859.3); c.472G>T, p.Gly158Cys (NM_001270447.2); c.175G>T, p.Gly59Cys (NM_001270448.2); c.403G>T (NM_000018.2); short protein forms G135C, G158C, G113C, G59C.
Identifiers: ClinVar variation 2044115 (VCV002044115.3), dbSNP rs1001412868, ClinGen allele CA287435334.